The following is an entry in ClinVar:

ClinVar aggregate classification (germline): Uncertain significance. Review status: criteria provided, multiple submitters, no conflicts (2 of 4 stars). 2 submissions from 2 submitters: Uncertain significance (2). Last evaluated 2025-01-10.

Conditions:
Cardiovascular phenotype. Identifiers: MedGen CN230736.
Cutis laxa, autosomal recessive, type 1B (ARCL1B). Also called: EFEMP2-Related Cutis Laxa; CUTIS LAXA, AUTOSOMAL RECESSIVE, TYPE IB. Identifiers: Orphanet 90349, MedGen C3280798, MONDO:0013754, OMIM 614437. Disease mechanism: loss of function.

gnomAD v4.1: 40 of 1,613,782 alleles (0.0025%); highest among the groups gnomAD compares: South Asian, 0.025%; no homozygotes.

Submissions (2):

Ambry Genetics
Classification: Uncertain significance for Cardiovascular phenotype. Last evaluated: 2025-01-10. Review status: criteria provided, single submitter. Criteria: Ambry Variant Classification Scheme 2023. Collection method: clinical testing. Allele origin: germline.
Comment: The p.E296K variant (also known as c.886G>A), located in coding exon 8 of the EFEMP2 gene, results from a G to A substitution at nucleotide position 886. The glutamic acid at codon 296 is replaced by lysine, an amino acid with similar properties. This amino acid position is conserved. In addition, the in silico prediction for this alteration is inconclusive. Based on the available evidence, the clinical significance of this variant remains unclear.

ARUP Laboratories, Molecular Genetics and Genomics, ARUP Laboratories
Classification: Uncertain significance for Cutis laxa, autosomal recessive, type 1B. Last evaluated: 2024-02-22. Review status: criteria provided, single submitter. Criteria: ARUP Molecular Germline Variant Investigation Process 2024. Collection method: clinical testing. Allele origin: germline.
Comment: The EFEMP2 c.886G>A; p.Glu296Lys variant (rs762880509), to our knowledge, is not reported in the medical literature or gene specific databases. This variant is found in the general population with an overall allele frequency of 0.006% (14/251,108 alleles) in the Genome Aggregation Database (v2.1.1). Computational analyses are uncertain whether this variant is neutral or deleterious (REVEL: 0.674). Due to limited information, the clinical significance of this variant is uncertain at this time.

NM_016938.5(EFEMP2):c.886G>A (p.Glu296Lys)

Gene: EFEMP2 (EGF-like fibulin extracellular matrix protein 2; minus strand). Cytogenetic location: 11q13.1.
Variant type: single nucleotide variant.
Coding change: c.886G>A on transcript NM_016938.5 (MANE Select); coding-DNA position 886, G replaced by A.
Protein change: p.Glu296Lys; replaces glutamic acid 296 with lysine.
Molecular consequence: missense variant. On other transcripts: non-coding transcript variant (1).
Genome position (GRCh38, 1-based): chr11:65,868,383, C>T on the plus strand (G>A on the coding strand, the complement: EFEMP2 is on the minus strand). VCF-style: chr11-65868383-C-T. GRCh37 (hg19) VCF-style: chr11-65635854-C-T.
Other names: c.886G>A (NM_016938.4); short protein forms E296K.
Identifiers: ClinVar variation 3766475 (VCV003766475.2).